The following is an entry in ClinVar:

NM_001267550.2(TTN):c.38978A>C (p.Glu12993Ala)

Gene: TTN (titin; minus strand). Cytogenetic location: 2q31.2.
Variant type: single nucleotide variant.
Coding change: c.38978A>C on transcript NM_001267550.2 (MANE Select); coding-DNA position 38978, A replaced by C.
Protein change: p.Glu12993Ala; replaces glutamic acid 12993 with alanine.
Molecular consequence: missense variant. On other transcripts: intron variant (5).
Genome position (GRCh38, 1-based): chr2:178,652,718, T>G on the plus strand (A>C on the coding strand, the complement: TTN is on the minus strand). VCF-style: chr2-178652718-T-G. GRCh37 (hg19) VCF-style: chr2-179517445-T-G.
Other names: c.13283-10401A>C (NM_003319.4); c.13859-10401A>C (NM_133437.4); c.13658-10401A>C (NM_133432.3); c.31742-177A>C (NM_133378.4); c.34523-177A>C (NM_001256850.1); short protein forms E12993A.
Identifiers: ClinVar variation 2627225 (VCV002627225.3), dbSNP rs2472439503, ClinGen allele CA349465204.
Genomic context (GRCh38, chr2:178,652,718, plus strand): 5'-ACAGGTGGGACTTCAGGCTTTTTAGGAGGAGCCGAGGGCACTTTCTTTTCAGGAACAACC[T>G]CTTTGGGAGCCTCTGGTACTTAAAAGATATTAGTGAAATTACATTTAGGGGTTATGAAGA-3'
Protein context (NP_001254479.2, residues 12983-13003): PPVKVPEAPK[Glu12993Ala]VVPEKKVPSA

ClinVar aggregate classification (germline): Uncertain significance (1 of 4 stars; one submission).

gnomAD v4.1: 2 of 1,613,180 alleles (0.00012%); highest among the groups gnomAD compares: Non-Finnish European, 0.00017%; no homozygotes.

Submission:

Women's Health and Genetics/Laboratory Corporation of America, LabCorp
Classification: Uncertain significance. Last evaluated: 2025-01-30. Review status: criteria provided, single submitter. Criteria: LabCorp Variant Classification Summary - May 2015. Collection method: clinical testing. Allele origin: germline.
Comment: Variant summary: TTN c.31742-177A>C is located at a position not widely known to affect splicing. This variant corresponds to c.38978A>C (p.Glu12993Ala) in NM_001267550. Consensus agreement among computation tools predict no significant impact on normal splicing. However, these predictions have yet to be confirmed by functional studies. The variant was absent in 246934 control chromosomes. The available data on variant occurrences in the general population are insufficient to allow any conclusion about variant significance. To our knowledge, no occurrence of c.31742-177A>C in individuals affected with TTN-related conditions and no experimental evidence demonstrating its impact on protein function have been reported. ClinVar contains an entry for this variant (Variation ID: 2627225). Based on the evidence outlined above, the variant was classified as uncertain significance.